The following is an entry in ClinVar:

NM_001173464.2(KIF21A):c.4132C>T (p.Gln1378Ter)

Gene: KIF21A (kinesin family member 21A; minus strand). Cytogenetic location: 12q12.
Variant type: single nucleotide variant.
Coding change: c.4132C>T on transcript NM_001173464.2 (MANE Select); coding-DNA position 4132, C replaced by T.
Protein change: p.Gln1378Ter; replaces glutamine 1378 with a stop codon.
Molecular consequence: nonsense.
Genome position (GRCh38, 1-based): chr12:39,309,731, G>A on the plus strand (C>T on the coding strand, the complement: KIF21A is on the minus strand). VCF-style: chr12-39309731-G-A. GRCh37 (hg19) VCF-style: chr12-39703533-G-A.
Other names: c.4021C>T, p.Gln1341Ter (NM_001173463.2); c.3973C>T, p.Gln1325Ter (NM_001173465.2); c.4135C>T, p.Gln1379Ter (NM_001378439.1); c.4120C>T, p.Gln1374Ter (NM_001378440.1); c.4096C>T, p.Gln1366Ter (NM_001378441.1); c.4093C>T, p.Gln1365Ter (NM_017641.4); short protein forms Q1325*, Q1341*, Q1365*, Q1366*, Q1374*, Q1378*, Q1379*.
Identifiers: ClinVar variation 4540336 (VCV004540336.1).

ClinVar aggregate classification (germline): Uncertain significance (1 of 4 stars; one submission).

Submission:

GeneDx
Classification: Uncertain significance. Last evaluated: 2025-06-25. Review status: criteria provided, single submitter. Criteria: GeneDx Variant Classification Process June 2021. Collection method: clinical testing. Allele origin: germline. Affected: yes.
Comment: Not observed at significant frequency in large population cohorts (gnomAD); Nonsense variant predicted to result in protein truncation or nonsense mediated decay in a gene or region of a gene for which loss of function is not a well-established mechanism of disease; Has not been previously published as pathogenic or benign to our knowledge